The following is an entry in ClinVar:

NM_004958.4(MTOR):c.7619A>T (p.Gln2540Leu)

Gene: MTOR (mechanistic target of rapamycin kinase; minus strand). Cytogenetic location: 1p36.22.
Variant type: single nucleotide variant.
Coding change: c.7619A>T on transcript NM_004958.4 (MANE Select); coding-DNA position 7619, A replaced by T.
Protein change: p.Gln2540Leu; replaces glutamine 2540 with leucine.
Molecular consequence: missense variant.
Genome position (GRCh38, 1-based): chr1:11,108,196, T>A on the plus strand (A>T on the coding strand, the complement: MTOR is on the minus strand). VCF-style: chr1-11108196-T-A. GRCh37 (hg19) VCF-style: chr1-11168253-T-A.
Other names: c.7619A>T, p.Gln2540Leu (NM_001386500.1); c.6371A>T, p.Gln2124Leu (NM_001386501.1); short protein forms Q2124L, Q2540L.
Identifiers: ClinVar variation 3371764 (VCV003371764.1).

ClinVar aggregate classification (germline): Uncertain significance (1 of 4 stars; one submission).

Submission:

GeneDx
Classification: Uncertain significance. Last evaluated: 2024-04-04. Review status: criteria provided, single submitter. Criteria: GeneDx Variant Classification Process June 2021. Collection method: clinical testing. Allele origin: germline. Affected: yes.
Comment: Not observed at significant frequency in large population cohorts (gnomAD); In silico analysis supports that this missense variant has a deleterious effect on protein structure/function; Has not been previously published as pathogenic or benign to our knowledge